The following is an entry in ClinVar:

NM_015330.6(SPECC1L):c.3314T>G (p.Met1105Arg)

Genes: SPECC1L (sperm antigen with calponin homology and coiled-coil domains 1 like; plus strand), SPECC1L-ADORA2A (SPECC1L-ADORA2A readthrough (NMD candidate); plus strand). Cytogenetic location: 22q11.23.
Variant type: single nucleotide variant.
Coding change: c.3314T>G on transcript NM_015330.6 (MANE Select); coding-DNA position 3314, T replaced by G.
Protein change: p.Met1105Arg; replaces methionine 1105 with arginine.
Molecular consequence: missense variant. On other transcripts: non-coding transcript variant (1).
Genome position (GRCh38, 1-based): chr22:24,414,583, T>G. VCF-style: chr22-24414583-T-G. GRCh37 (hg19) VCF-style: chr22-24810551-T-G.
Other names: c.3314T>G, p.Met1105Arg (NM_001145468.4); c.3197T>G, p.Met1066Arg (NM_001254732.3); c.512T>G, p.Met171Arg (NM_001254733.2); short protein forms M1066R, M1105R, M171R.
Identifiers: ClinVar variation 3066111 (VCV003066111.1), dbSNP rs1296037048, ClinGen allele CA410955758.

ClinVar aggregate classification (germline): Uncertain significance (1 of 4 stars; one submission).

Conditions:
Teebi hypertelorism syndrome 1. Identifiers: Orphanet 1519, MedGen CN306405, MONDO:0800025, OMIM 145420.

Allele frequency attached by ClinVar (database versions not stated): gnomAD 0.00001.

Submission:

MVZ Medizinische Genetik Mainz
Classification: Uncertain significance for Teebi hypertelorism syndrome 1. Last evaluated: 2021-11-19. Review status: criteria provided, single submitter. Criteria: UK Practice Guidelines For Variant Classification V4 01 2020. Collection method: clinical testing. Allele origin: germline. Inheritance: Autosomal dominant inheritance. Affected: yes. Observed: 1 variant allele.
Comment: ACMG Criteria: PM2_SUP, PP3 (ACMG Version 3)